The following is an entry in ClinVar:

NM_021954.4(GJA3):c.457A>T (p.Ile153Phe)

Gene: GJA3 (gap junction protein alpha 3; minus strand). Cytogenetic location: 13q12.11.
Variant type: single nucleotide variant.
Coding change: c.457A>T on transcript NM_021954.4 (MANE Select); coding-DNA position 457, A replaced by T.
Protein change: p.Ile153Phe; replaces isoleucine 153 with phenylalanine.
Molecular consequence: missense variant.
Genome position (GRCh38, 1-based): chr13:20,142,832, T>A on the plus strand (A>T on the coding strand, the complement: GJA3 is on the minus strand). VCF-style: chr13-20142832-T-A. GRCh37 (hg19) VCF-style: chr13-20716971-T-A.
Other names: short protein forms I153F.
Identifiers: ClinVar variation 4995100 (VCV004995100.1).

ClinVar aggregate classification (germline): Uncertain significance (1 of 4 stars; one submission).

Conditions:
GJA3-related disorder. Also called: GJA3-related condition.

Submission:

PreventionGenetics, part of Exact Sciences
Classification: Uncertain significance for GJA3-related condition. Last evaluated: 2026-03-12. Review status: criteria provided, single submitter. Criteria: ACMG Guidelines, 2015. Collection method: clinical testing. Allele origin: germline.
Comment: The GJA3 c.457A>T variant is predicted to result in the amino acid substitution p.Ile153Phe. To our knowledge, this variant has not been reported in the literature or in a large population database (gnomAD), indicating this variant is rare. At this time, the clinical significance of this variant is uncertain due to the absence of conclusive functional and genetic evidence.